The following is an entry in ClinVar:

ClinVar aggregate classification (germline): Uncertain significance (1 of 4 stars; one submission).

Conditions:
Myoclonic dystonia 11 (DYT11). Also called: Myoclonic dystonia; Dystonia 11; Dystonia, alcohol responsive; Hereditary essential myoclonus; SGCE Myoclonus-Dystonia; Myoclonus-Dystonia. Identifiers: Orphanet 36899, MedGen C1834570, MONDO:0008044, OMIM 159900.

Submission:

Labcorp Genetics (formerly Invitae), Labcorp
Classification: Uncertain significance for Myoclonic dystonia 11. Last evaluated: 2024-11-21. Review status: criteria provided, single submitter. Criteria: Invitae Variant Classification Sherloc (09022015). Collection method: clinical testing. Allele origin: germline.
Comment: This sequence change falls in intron 3 of the SGCE gene. It does not directly change the encoded amino acid sequence of the SGCE protein. It affects a nucleotide within the consensus splice site. This variant is not present in population databases (gnomAD no frequency). This variant has not been reported in the literature in individuals affected with SGCE-related conditions. Variants that disrupt the consensus splice site are a relatively common cause of aberrant splicing (PMID: 17576681, 9536098). Algorithms developed to predict the effect of sequence changes on RNA splicing suggest that this variant is not likely to affect RNA splicing. In summary, the available evidence is currently insufficient to determine the role of this variant in disease. Therefore, it has been classified as a Variant of Uncertain Significance.

Literature cited by the submitters: PubMed 17576681; PubMed 9536098.

NM_003919.3(SGCE):c.390+6T>G

Genes: CASD1 (CAS1 domain sialic acid O acetyltransferase 1; plus strand), SGCE (sarcoglycan epsilon; minus strand). Cytogenetic location: 7q21.3.
Variant type: single nucleotide variant.
Coding change: c.390+6T>G on transcript NM_003919.3 (MANE Select); 6 bases into the intron after coding-DNA position 390, T replaced by G.
Molecular consequence: intron variant.
Genome position (GRCh38, 1-based): chr7:94,628,196, A>C on the plus strand (T>G on the coding strand, the complement: SGCE is on the minus strand). VCF-style: chr7-94628196-A-C. GRCh37 (hg19) VCF-style: chr7-94257508-A-C.
Other names: c.267+6T>G (NM_001301139.2, NM_001362809.2); c.390+6T>G (NM_001346717.2, NM_001099400.2, NM_001099401.2); c.498+6T>G (NM_001346715.2, NM_001346713.2); c.303+6T>G (NM_001362807.2, NM_001346719.2); c.117+6T>G (NM_001362808.2, NM_001346720.2).
Identifiers: ClinVar variation 3651990 (VCV003651990.2).
Genomic context (GRCh38, chr7:94,628,196, plus strand): 5'-ATACACACACACACACACACACACACACATATATGTATAGTTTTGCTCTTTCTAGGTGTA[A>C]ATTACCTCAATGATTGTTGGCTTCCCCACATTTTCAGCTGTTGGGGACCCATATAGGACT-3'